The following is an entry in ClinVar:

ClinVar aggregate classification (germline): Pathogenic. Review status: criteria provided, single submitter (1 of 4 stars). 2 submissions from 2 submitters: Pathogenic (1). 1 of the submissions does not count toward it. Last evaluated 2026-01-15.

Conditions:
Citrullinemia type I (CTNL1). Also called: ASS DEFICIENCY; argininosuccinate synthetase deficiency. Identifiers: Orphanet 247525, MedGen C4721769, MONDO:0008988, OMIM 215700.

Allele frequency attached by ClinVar (database versions not stated): gnomAD exomes below 0.00001.
gnomAD v4.1: 1 of 1,614,126 alleles (0.000062%); highest among the groups gnomAD compares: Non-Finnish European, 0.000085%; no homozygotes.

Submissions (2):

Natera, Inc.
Classification: Pathogenic for Citrullinemia type I. Last evaluated: 2026-01-15. Review status: criteria provided, single submitter. Criteria: Natera Variant Classification Schema (03/2026). Collection method: clinical testing. Allele origin: germline.
Comment: The c.823G>T variant in ASS1 is a nonsense variant predicted to introduce a stop codon at amino acid 275. This variant is expected to result in nonsense mediated decay, truncation, or a dysfunctional protein product. This variant is rare in the general population with a frequency below the threshold expected for the associated phenotype(s). This variant has been observed in one or more individuals affected with the associated recessive disease, as either homozygous or compound heterozygous with a second variant (PMID: 16475226). Given the available evidence, this variant is classified as Pathogenic.

Counsyl
Classification: Likely pathogenic for Citrullinemia type I. Last evaluated: 2018-04-03. Review status: no assertion criteria provided. Collection method: clinical testing. Allele origin: unknown. Not counted in ClinVar's aggregate classification.

Literature cited by the submitters: PubMed 16475226 (cited by Natera, Inc. and Counsyl).

NM_054012.4(ASS1):c.823G>T (p.Gly275Ter)

Gene: ASS1 (argininosuccinate synthase 1; plus strand). Cytogenetic location: 9q34.11.
Variant type: single nucleotide variant.
Coding change: c.823G>T on transcript NM_054012.4 (MANE Select); coding-DNA position 823, G replaced by T.
Protein change: p.Gly275Ter; replaces glycine 275 with a stop codon.
Molecular consequence: nonsense.
Genome position (GRCh38, 1-based): chr9:130,480,434, G>T. VCF-style: chr9-130480434-G-T. GRCh37 (hg19) VCF-style: chr9-133355821-G-T.
Other names: c.823G>T, p.Gly275Ter (NM_000050.4); short protein forms G275*.
Identifiers: ClinVar variation 557645 (VCV000557645.3), dbSNP rs1554723625, ClinGen allele CA375229511.